The following is an entry in ClinVar:

NM_001734.5(C1S):c.115T>C (p.Ser39Pro)

Gene: C1S (complement C1s; plus strand). Cytogenetic location: 12p13.31.
Variant type: single nucleotide variant.
Coding change: c.115T>C on transcript NM_001734.5 (MANE Select); coding-DNA position 115, T replaced by C.
Protein change: p.Ser39Pro; replaces serine 39 with proline.
Molecular consequence: missense variant. On other transcripts: intron variant (1).
Genome position (GRCh38, 1-based): chr12:7,062,584, T>C. VCF-style: chr12-7062584-T-C. GRCh37 (hg19) VCF-style: chr12-7169888-T-C.
Other names: c.115T>C, p.Ser39Pro (NM_201442.4); c.-288-306T>C (NM_001346850.2); short protein forms S39P.
Identifiers: ClinVar variation 4810570 (VCV004810570.1).

ClinVar aggregate classification (germline): Uncertain significance (1 of 4 stars; one submission).

gnomAD v4.1: 3 of 1,613,892 alleles (0.00019%); highest among the groups gnomAD compares: African/African-American, 0.0027%; no homozygotes.

Submission:

Labcorp Genetics (formerly Invitae), Labcorp
Classification: Uncertain significance. Last evaluated: 2025-11-11. Review status: criteria provided, single submitter. Criteria: Invitae Variant Classification Sherloc (09022015). Collection method: clinical testing. Allele origin: germline.
Comment: This sequence change replaces serine, which is neutral and polar, with proline, which is neutral and non-polar, at codon 39 of the C1S protein (p.Ser39Pro). This variant is present in population databases (no rsID available, gnomAD 0.004%). This variant has not been reported in the literature in individuals affected with C1S-related conditions. Invitae Evidence Modeling of protein sequence and biophysical properties (such as structural, functional, and spatial information, amino acid conservation, physicochemical variation, residue mobility, and thermodynamic stability) indicates that this missense variant is expected to disrupt C1S protein function with a positive predictive value of 80%. In summary, the available evidence is currently insufficient to determine the role of this variant in disease. Therefore, it has been classified as a Variant of Uncertain Significance.